The following is an entry in ClinVar:

ClinVar aggregate classification (germline): Uncertain significance. Review status: criteria provided, multiple submitters, no conflicts (2 of 4 stars). 4 submissions from 4 submitters: Uncertain significance (4). Last evaluated 2024-10-29.

Conditions:
Familial adenomatous polyposis 1 (FAP1). Also called: FAMILIAL ADENOMATOUS POLYPOSIS 1, ATTENUATED; POLYPOSIS, ADENOMATOUS INTESTINAL. Identifiers: MedGen C2713442, MONDO:0021056, OMIM 175100. Disease mechanism: loss of function.
Gastric adenocarcinoma and proximal polyposis of the stomach (GAPPS). Also called: POLYPOSIS, GASTRIC; Gastric Adenocarcinoma and Proximal Polyposis of the Stomach (GAPPS); Polyposis, gastric, Dos Santos and de Magalhaes 1980. Identifiers: Orphanet 314022, MedGen C4749917, MONDO:0017790, OMIM 619182.
Desmoid disease, hereditary (DESMD). Also called: FIBROMATOSIS, FAMILIAL INFILTRATIVE. Identifiers: Orphanet 873, MedGen C1851124, OMIM 135290. Disease mechanism: loss of function.
Hepatocellular carcinoma (HCC). Also called: Primary carcinoma of liver; HEPATOMA; LIVER CELL CARCINOMA. Identifiers: Orphanet 88673, MedGen C2239176, MONDO:0007256, OMIM 114550, HP:0001402.
Gastric cancer. Also called: Malignant tumor of stomach; Stomach cancer. Identifiers: MedGen C0024623, MeSH D013274, MONDO:0001056, OMIM 613659, HP:0012126.
Colorectal cancer. Also called: Malignant Colorectal Neoplasm; Colorectal cancer, somatic. Identifiers: MedGen C0346629, MONDO:0005575, OMIM 114500.
Hereditary cancer-predisposing syndrome. Also called: Neoplastic Syndromes, Hereditary; Hereditary Cancer Syndrome; Hereditary neoplastic syndrome; Tumor predisposition. Identifiers: Orphanet 140162, MedGen C0027672, MeSH D009386, MONDO:0015356.

Submissions (4):

Labcorp Genetics (formerly Invitae), Labcorp
Classification: Uncertain significance for Familial adenomatous polyposis 1. Last evaluated: 2024-10-29. Review status: criteria provided, single submitter. Criteria: Invitae Variant Classification Sherloc (09022015). Collection method: clinical testing. Allele origin: germline.
Comment: This sequence change replaces serine, which is neutral and polar, with arginine, which is basic and polar, at codon 2797 of the APC protein (p.Ser2797Arg). This variant is not present in population databases (gnomAD no frequency). This variant has not been reported in the literature in individuals affected with APC-related conditions. ClinVar contains an entry for this variant (Variation ID: 411333). Invitae Evidence Modeling of protein sequence and biophysical properties (such as structural, functional, and spatial information, amino acid conservation, physicochemical variation, residue mobility, and thermodynamic stability) indicates that this missense variant is not expected to disrupt APC protein function with a negative predictive value of 95%. In summary, the available evidence is currently insufficient to determine the role of this variant in disease. Therefore, it has been classified as a Variant of Uncertain Significance.

Fulgent Genetics
Classification: Uncertain significance for Colorectal cancer; Hepatocellular carcinoma; Desmoid disease, hereditary; Familial adenomatous polyposis 1; Gastric cancer; Gastric adenocarcinoma and proximal polyposis of the stomach. Last evaluated: 2024-04-16. Review status: criteria provided, single submitter. Criteria: ACMG Guidelines, 2015. Collection method: clinical testing. Allele origin: germline.

Ambry Genetics
Classification: Uncertain significance for Hereditary cancer-predisposing syndrome. Last evaluated: 2023-08-08. Review status: criteria provided, single submitter. Criteria: Ambry Variant Classification Scheme 2023. Collection method: clinical testing. Allele origin: germline.
Comment: The p.S2797R variant (also known as c.8391C>A), located in coding exon 15 of the APC gene, results from a C to A substitution at nucleotide position 8391. The serine at codon 2797 is replaced by arginine, an amino acid with dissimilar properties. This amino acid position is not well conserved in available vertebrate species. In addition, in silico predictors for this gene do not accurately predict pathogenicity. Since supporting evidence is limited at this time, the clinical significance of this alteration remains unclear.

Quest Diagnostics Nichols Institute San Juan Capistrano
Classification: Uncertain significance. Last evaluated: 2019-10-26. Review status: criteria provided, single submitter. Criteria: Quest Diagnostics criteria. Collection method: clinical testing. Allele origin: unknown.

NM_000038.6(APC):c.8391C>A (p.Ser2797Arg)

Gene: APC (APC regulator of Wnt signaling pathway; plus strand). Cytogenetic location: 5q22.2.
Variant type: single nucleotide variant.
Coding change: c.8391C>A on transcript NM_000038.6 (MANE Select); coding-DNA position 8391, C replaced by A.
Protein change: p.Ser2797Arg; replaces serine 2797 with arginine.
Molecular consequence: missense variant.
Genome position (GRCh38, 1-based): chr5:112,843,985, C>A. VCF-style: chr5-112843985-C-A. GRCh37 (hg19) VCF-style: chr5-112179682-C-A.
Other names: c.8391C>A, p.Ser2797Arg (NM_001127510.3, NM_001354895.2); c.8337C>A, p.Ser2779Arg (NM_001127511.3); c.8445C>A, p.Ser2815Arg (NM_001354896.2); c.8421C>A, p.Ser2807Arg (NM_001354897.2); c.8316C>A, p.Ser2772Arg (NM_001354898.2); c.8307C>A, p.Ser2769Arg (NM_001354899.2); c.8268C>A, p.Ser2756Arg (NM_001354900.2); c.8214C>A, p.Ser2738Arg (NM_001354901.2); and 5 more; short protein forms S2797R, S2779R, S2514R, S2637R, S2671R, S2706R, S2738R, S2756R.
Identifiers: ClinVar variation 411333 (VCV000411333.16), dbSNP rs1060503256, ClinGen allele CA16039544.